The following is an entry in ClinVar:

ClinVar aggregate classification (germline): Uncertain significance (1 of 4 stars; one submission).

Submission:

Labcorp Genetics (formerly Invitae), Labcorp
Classification: Uncertain significance. Last evaluated: 2024-12-23. Review status: criteria provided, single submitter. Criteria: Invitae Variant Classification Sherloc (09022015). Collection method: clinical testing. Allele origin: germline.
Comment: This sequence change replaces lysine, which is basic and polar, with asparagine, which is neutral and polar, at codon 952 of the MYH3 protein (p.Lys952Asn). This variant is not present in population databases (gnomAD no frequency). This variant has not been reported in the literature in individuals affected with MYH3-related conditions. Invitae Evidence Modeling of protein sequence and biophysical properties (such as structural, functional, and spatial information, amino acid conservation, physicochemical variation, residue mobility, and thermodynamic stability) has been performed for this missense variant. However, the output from this modeling did not meet the statistical confidence thresholds required to predict the impact of this variant on MYH3 protein function. In summary, the available evidence is currently insufficient to determine the role of this variant in disease. Therefore, it has been classified as a Variant of Uncertain Significance.

NM_002470.4(MYH3):c.2856G>T (p.Lys952Asn)

Gene: MYH3 (myosin heavy chain 3; minus strand). Cytogenetic location: 17p13.1.
Variant type: single nucleotide variant.
Coding change: c.2856G>T on transcript NM_002470.4 (MANE Select); coding-DNA position 2856, G replaced by T.
Protein change: p.Lys952Asn; replaces lysine 952 with asparagine.
Molecular consequence: missense variant.
Genome position (GRCh38, 1-based): chr17:10,639,629, C>A on the plus strand (G>T on the coding strand, the complement: MYH3 is on the minus strand). VCF-style: chr17-10639629-C-A. GRCh37 (hg19) VCF-style: chr17-10542946-C-A.
Other names: short protein forms K952N.
Identifiers: ClinVar variation 3634450 (VCV003634450.2).